The following is an entry in ClinVar:

NM_020987.5(ANK3):c.10867G>A (p.Asp3623Asn)

Gene: ANK3 (ankyrin 3; minus strand). Cytogenetic location: 10q21.2.
Variant type: single nucleotide variant.
Coding change: c.10867G>A on transcript NM_020987.5 (MANE Select); coding-DNA position 10867, G replaced by A.
Protein change: p.Asp3623Asn; replaces aspartic acid 3623 with asparagine.
Molecular consequence: missense variant. On other transcripts: intron variant (4).
Genome position (GRCh38, 1-based): chr10:60,070,014, C>T on the plus strand (G>A on the coding strand, the complement: ANK3 is on the minus strand). VCF-style: chr10-60070014-C-T. GRCh37 (hg19) VCF-style: chr10-61829772-C-T.
Other names: c.4388-2005G>A (NM_001204403.2); c.4409-2005G>A (NM_001204404.2); c.4406-2005G>A (NM_001320874.2); c.1808-2005G>A (NM_001149.4); short protein forms D3623N.
Identifiers: ClinVar variation 451706 (VCV000451706.3), dbSNP rs368045259, ClinGen allele CA376998218.

ClinVar aggregate classification (germline): Uncertain significance. Review status: criteria provided, multiple submitters, no conflicts (2 of 4 stars). 2 submissions from 2 submitters: Uncertain significance (2). Last evaluated 2024-12-14.

Conditions:
Inborn genetic diseases. Identifiers: MedGen C0950123, MeSH D030342.

Allele frequency attached by ClinVar (database versions not stated): TOPMed 0.00001.

Submissions (2):

Ambry Genetics
Classification: Uncertain significance for Inborn genetic diseases. Last evaluated: 2024-12-14. Review status: criteria provided, single submitter. Criteria: Ambry Variant Classification Scheme 2023. Collection method: clinical testing. Allele origin: germline.

GeneDx
Classification: Uncertain significance. Last evaluated: 2017-08-28. Review status: criteria provided, single submitter. Criteria: GeneDx Variant Classification (06012015). Collection method: clinical testing. Allele origin: germline. Affected: yes.
Comment: The D3623N variant in the ANK3 gene has not been reported previously as a pathogenic variant, nor as a benign variant, to our knowledge. This variant is not observed in large population cohorts (Lek et al., 2016; 1000 Genomes Consortium et al., 2015; Exome Variant Server). The D3623N variant is a semi-conservative amino acid substitution, which may impact secondary protein structure as these residues differ in some properties. This substitution occurs at a position that is conserved across species. In silico analysis is inconsistent in its predictions as to whether or not the variant is damaging to the protein structure/function. We interpret D3623N as a variant of uncertain significance.